The following is an entry in ClinVar:

NM_000282.4(PCCA):c.1284+2dup

Gene: PCCA (propionyl-CoA carboxylase subunit alpha; plus strand). Cytogenetic location: 13q32.3.
Variant type: Duplication.
Coding change: c.1284+2dup on transcript NM_000282.4 (MANE Select); the canonical splice donor site of the intron after coding-DNA position 1284, one base duplicated (T; older notation c.1284+2dupT).
Molecular consequence: splice donor variant.
Genome position (GRCh38, 1-based): chr13:100,303,000, T duplicated. VCF-style (leftmost placement, unchanged base first): chr13-100302999-G-GT. GRCh37 (hg19) VCF-style: chr13-100955253-G-GT.
Other names: c.1284+2dup (NM_001178004.2, NM_001352605.2, NM_001352609.2); c.1140+2dup (NM_001352606.2); c.339+2dup (NM_001352610.2, NM_001352611.2); c.195+2dup (NM_001352612.2); c.1206+2dup (NM_001127692.3, NM_001352607.2); c.1062+2dup (NM_001352608.2).
Identifiers: ClinVar variation 997846 (VCV000997846.1), dbSNP rs776978090, ClinGen allele CA7033565.

ClinVar aggregate classification (germline): Pathogenic (1 of 4 stars; one submission).

Conditions:
Propionic acidemia (PROP). Also called: GLYCINEMIA, KETOTIC; HYPERGLYCINEMIA WITH KETOACIDOSIS AND LEUKOPENIA; KETOTIC HYPERGLYCINEMIA. Identifiers: Orphanet 35, MedGen C0268579, MONDO:0011628, OMIM 606054, HP:0003571.

Allele frequency attached by ClinVar (database versions not stated): gnomAD exomes below 0.00001; ExAC 0.00001.

Submission:

Laboratory of Inherited Metabolic Diseases, Research centre for medical genetics
Classification: Pathogenic for Propionic acidemia. Last evaluated: 2021-02-17. Review status: criteria provided, single submitter. Criteria: ACMG Guidelines, 2015. Collection method: research, in vitro. Allele origin: germline, not applicable. Affected: yes.
Comment: PS3, PM2, PM3, PP3, PP4